The following is an entry in ClinVar:

ClinVar aggregate classification (germline): Uncertain significance. Review status: criteria provided, multiple submitters, no conflicts (2 of 4 stars). 2 submissions from 2 submitters: Uncertain significance (2). Last evaluated 2022-08-20.

Conditions:
Renal cell carcinoma. Identifiers: Orphanet 217071, MedGen C0007134, MeSH D002292, MONDO:0005086, HP:0005584.
Hereditary cancer-predisposing syndrome. Also called: Neoplastic Syndromes, Hereditary; Hereditary Cancer Syndrome; Tumor predisposition; Hereditary neoplastic syndrome. Identifiers: Orphanet 140162, MedGen C0027672, MeSH D009386, MONDO:0015356.

Allele frequency attached by ClinVar (database versions not stated): gnomAD exomes below 0.00001 and 0.00001; ExAC 0.00001.
gnomAD v4.1: 9 of 1,593,326 alleles (0.00056%); highest among the groups gnomAD compares: South Asian, 0.0088%; no homozygotes.

Submissions (2):

Labcorp Genetics (formerly Invitae), Labcorp
Classification: Uncertain significance for Renal cell carcinoma. Last evaluated: 2022-08-20. Review status: criteria provided, single submitter. Criteria: Invitae Variant Classification Sherloc (09022015). Collection method: clinical testing. Allele origin: germline.
Comment: In summary, the available evidence is currently insufficient to determine the role of this variant in disease. Therefore, it has been classified as a Variant of Uncertain Significance. Variants that disrupt the consensus splice site are a relatively common cause of aberrant splicing (PMID: 17576681, 9536098). Algorithms developed to predict the effect of sequence changes on RNA splicing suggest that this variant is not likely to affect RNA splicing. ClinVar contains an entry for this variant (Variation ID: 944373). This variant has not been reported in the literature in individuals affected with MET-related conditions. This variant is present in population databases (rs763246917, gnomAD 0.003%). This sequence change falls in intron 17 of the MET gene. It does not directly change the encoded amino acid sequence of the MET protein. It affects a nucleotide within the consensus splice site.

Ambry Genetics
Classification: Uncertain significance for Hereditary cancer-predisposing syndrome. Last evaluated: 2022-07-28. Review status: criteria provided, single submitter. Criteria: Ambry Variant Classification Scheme 2023. Collection method: clinical testing. Allele origin: germline.
Comment: The c.3577-3C>T intronic variant results from a C to T substitution 3 nucleotides upstream from coding exon 17 in the MET gene. This nucleotide position is well conserved in available vertebrate species. In silico splice site analysis predicts that this alteration will not have any significant effect on splicing. Since supporting evidence is limited at this time, the clinical significance of this alteration remains unclear.

Literature cited by the submitters: PubMed 17576681 (cited by Labcorp Genetics (formerly Invitae), Labcorp); PubMed 9536098 (cited by Labcorp Genetics (formerly Invitae), Labcorp).

NM_000245.4(MET):c.3523-3C>T

Gene: MET (MET proto-oncogene, receptor tyrosine kinase; plus strand). Cytogenetic location: 7q31.2.
Variant type: single nucleotide variant.
Coding change: c.3523-3C>T on transcript NM_000245.4 (MANE Select); 3 bases into the intron before coding-DNA position 3523, C replaced by T.
Molecular consequence: intron variant.
Genome position (GRCh38, 1-based): chr7:116,781,985, C>T. VCF-style: chr7-116781985-C-T. GRCh37 (hg19) VCF-style: chr7-116422039-C-T.
Other names: c.3577-3C>T (NM_001127500.3); c.2233-3C>T (NM_001324402.2).
Identifiers: ClinVar variation 944373 (VCV000944373.12), dbSNP rs763246917, ClinGen allele CA4448744.